The following is an entry in ClinVar:

NM_181523.3(PIK3R1):c.975T>A (p.Asn325Lys)

Gene: PIK3R1 (phosphoinositide-3-kinase regulatory subunit 1; plus strand). Cytogenetic location: 5q13.1.
Variant type: single nucleotide variant.
Coding change: c.975T>A on transcript NM_181523.3 (MANE Select); coding-DNA position 975, T replaced by A.
Protein change: p.Asn325Lys; replaces asparagine 325 with lysine.
Molecular consequence: missense variant.
Genome position (GRCh38, 1-based): chr5:68,292,317, T>A. VCF-style: chr5-68292317-T-A. GRCh37 (hg19) VCF-style: chr5-67588145-T-A.
Other names: c.165T>A, p.Asn55Lys (NM_181504.4); c.75T>A, p.Asn25Lys (NM_181524.2); short protein forms N25K, N55K, N325K.
Identifiers: ClinVar variation 4790472 (VCV004790472.1).

ClinVar aggregate classification (germline): Uncertain significance (1 of 4 stars; one submission).

Conditions:
Agammaglobulinemia 7, autosomal recessive (AGM7). Also called: AGAMMAGLOBULINEMIA, AUTOSOMAL RECESSIVE, DUE TO PIK3R1 DEFECT. Identifiers: MedGen C3554689, MONDO:0014083, OMIM 615214.
SHORT syndrome. Also called: SHORT STATURE, HYPEREXTENSIBILITY, HERNIA, OCULAR DEPRESSION, RIEGER ANOMALY, AND TEETHING DELAY; LIPODYSTROPHY, PARTIAL, WITH RIEGER ANOMALY AND SHORT STATURE; PIK3R1-Related SHORT Syndrome. Identifiers: Orphanet 3163, MedGen C0878684, MONDO:0010026, OMIM 269880.
Immunodeficiency 36 with lymphoproliferation. Also called: Immunodeficiency 36; Activated PI3K Delta Syndrome Type 2 (APDS2); ACTIVATED PI3K-DELTA SYNDROME 2. Identifiers: Orphanet 397596, Orphanet 693681, MedGen C4014934, MONDO:0014453, OMIM 616005.

gnomAD v4.1: 5 of 1,613,604 alleles (0.00031%); highest among the groups gnomAD compares: South Asian, 0.0055%; no homozygotes.

Submission:

Labcorp Genetics (formerly Invitae), Labcorp
Classification: Uncertain significance for SHORT syndrome; Immunodeficiency 36 with lymphoproliferation; Agammaglobulinemia 7, autosomal recessive. Last evaluated: 2025-08-10. Review status: criteria provided, single submitter. Criteria: Invitae Variant Classification Sherloc (09022015). Collection method: clinical testing. Allele origin: germline.
Comment: This sequence change replaces asparagine, which is neutral and polar, with lysine, which is basic and polar, at codon 325 of the PIK3R1 protein (p.Asn325Lys). This variant is present in population databases (rs777752987, gnomAD 0.01%). This variant has not been reported in the literature in individuals affected with PIK3R1-related conditions. Invitae Evidence Modeling of protein sequence and biophysical properties (such as structural, functional, and spatial information, amino acid conservation, physicochemical variation, residue mobility, and thermodynamic stability) indicates that this missense variant is not expected to disrupt PIK3R1 protein function with a negative predictive value of 80%. In summary, the available evidence is currently insufficient to determine the role of this variant in disease. Therefore, it has been classified as a Variant of Uncertain Significance.